The following is an entry in ClinVar:

ClinVar aggregate classification (germline): Uncertain significance (1 of 4 stars; one submission).

Conditions:
COACH syndrome 3. Identifiers: MedGen C5436841, MONDO:0030862, OMIM 619113.
Joubert syndrome 7 (JBTS7). Identifiers: Orphanet 220497, MedGen C1969053, MONDO:0012694, OMIM 611560.
Meckel syndrome, type 5 (MKS5). Identifiers: Orphanet 564, MedGen C1969052, MONDO:0012695, OMIM 611561.

Submission:

Juno Genomics, Hangzhou Juno Genomics, Inc
Classification: Uncertain significance for COACH syndrome 3; Joubert syndrome 7; Meckel syndrome, type 5. Review status: criteria provided, single submitter. Criteria: ACMG Guidelines, 2015. Collection method: clinical testing. Allele origin: germline.
Comment: Null variant in a gene where loss of function (LOF) is a known mechanism of disease.;Absent from controls (or at extremely low frequency if recessive) in Genome Aggregation Database.

NM_015272.5(RPGRIP1L):c.3820G>T (p.Glu1274Ter)

Gene: RPGRIP1L (RPGRIP1 like; minus strand). Cytogenetic location: 16q12.2.
Variant type: single nucleotide variant.
Coding change: c.3820G>T on transcript NM_015272.5 (MANE Select); coding-DNA position 3820, G replaced by T.
Protein change: p.Glu1274Ter; replaces glutamic acid 1274 with a stop codon.
Molecular consequence: nonsense.
Genome position (GRCh38, 1-based): chr16:53,605,496, C>A on the plus strand (G>T on the coding strand, the complement: RPGRIP1L is on the minus strand). VCF-style: chr16-53605496-C-A. GRCh37 (hg19) VCF-style: chr16-53639408-C-A.
Other names: c.3580G>T, p.Glu1194Ter (NM_001127897.4); c.3682G>T, p.Glu1228Ter (NM_001308334.3); c.3718G>T, p.Glu1240Ter (NM_001330538.2); short protein forms E1228*, E1194*, E1240*, E1274*.
Identifiers: ClinVar variation 5005594 (VCV005005594.2).